The following is an entry in ClinVar:

NM_000059.4(BRCA2):c.3463A>C (p.Thr1155Pro)

Gene: BRCA2 (BRCA2 DNA repair associated; plus strand). Cytogenetic location: 13q13.1.
Variant type: single nucleotide variant.
Coding change: c.3463A>C on transcript NM_000059.4 (MANE Select); coding-DNA position 3463, A replaced by C.
Protein change: p.Thr1155Pro; replaces threonine 1155 with proline.
Molecular consequence: missense variant.
Genome position (GRCh38, 1-based): chr13:32,337,818, A>C. VCF-style: chr13-32337818-A-C. GRCh37 (hg19) VCF-style: chr13-32911955-A-C.
Other names: short protein forms T1155P.
Identifiers: ClinVar variation 531266 (VCV000531266.15), dbSNP rs1555283257, ClinGen allele CA387776750.

ClinVar aggregate classification (germline): Conflicting classifications of pathogenicity. Review status: criteria provided, conflicting classifications (1 of 4 stars). 3 submissions from 3 submitters: Uncertain significance (2); Likely benign (1). Last evaluated 2025-12-22.

Conditions:
Hereditary breast ovarian cancer syndrome. Also called: Hereditary breast and ovarian cancer syndrome (HBOC); BRCA1- and BRCA2-Associated Hereditary Breast and Ovarian Cancer; Hereditary breast and ovarian cancer syndrome; Breast and ovarian cancer; Hereditary breast and ovarian cancer; Hereditary breast and/or ovarian cancer syndrome. Identifiers: Orphanet 145, MedGen C0677776, MeSH D061325, MONDO:0003582. Disease mechanism: loss of function.
Hereditary cancer-predisposing syndrome. Also called: Hereditary neoplastic syndrome; Neoplastic Syndromes, Hereditary; Tumor predisposition; Hereditary Cancer Syndrome. Identifiers: Orphanet 140162, MedGen C0027672, MeSH D009386, MONDO:0015356.

Submissions (3):

Labcorp Genetics (formerly Invitae), Labcorp
Classification: Uncertain significance for Hereditary breast ovarian cancer syndrome. Last evaluated: 2025-12-22. Review status: criteria provided, single submitter. Criteria: Invitae Variant Classification Sherloc (09022015). Collection method: clinical testing. Allele origin: germline.
Comment: This sequence change replaces threonine, which is neutral and polar, with proline, which is neutral and non-polar, at codon 1155 of the BRCA2 protein (p.Thr1155Pro). This variant is not present in population databases (gnomAD no frequency). This variant has not been reported in the literature in individuals affected with BRCA2-related conditions. ClinVar contains an entry for this variant (Variation ID: 531266). Invitae Evidence Modeling of protein sequence and biophysical properties (such as structural, functional, and spatial information, amino acid conservation, physicochemical variation, residue mobility, and thermodynamic stability) indicates that this missense variant is not expected to disrupt BRCA2 protein function with a negative predictive value of 95%. In summary, the available evidence is currently insufficient to determine the role of this variant in disease. Therefore, it has been classified as a Variant of Uncertain Significance.

University of Washington Department of Laboratory Medicine, University of Washington
Classification: Likely benign for Hereditary cancer-predisposing syndrome. Last evaluated: 2023-03-23. Review status: criteria provided, single submitter. Criteria: Dines et al. (Genet Med. 2020). Collection method: curation. Allele origin: germline.
Comment: Missense variant in a coldspot region where missense variants are very unlikely to be pathogenic (PMID:31911673).

BRCA2 exon 11 coldspot. Reclassification based on statistical prior probability.

Ambry Genetics
Classification: Uncertain significance for Hereditary cancer-predisposing syndrome. Last evaluated: 2017-11-06. Review status: criteria provided, single submitter. Criteria: Ambry Variant Classification Scheme 2023. Collection method: clinical testing. Allele origin: germline.
Comment: The p.T1155P variant (also known as c.3463A>C), located in coding exon 10 of the BRCA2 gene, results from an A to C substitution at nucleotide position 3463. The threonine at codon 1155 is replaced by proline, an amino acid with highly similar properties. This amino acid position is not well conserved in available vertebrate species. In addition, this alteration is predicted to be tolerated by in silico analysis. Since supporting evidence is limited at this time, the clinical significance of this alteration remains unclear.